The following is an entry in ClinVar:

NM_024753.5(TTC21B):c.1654T>C (p.Cys552Arg)

Gene: TTC21B (tetratricopeptide repeat domain 21B; minus strand). Cytogenetic location: 2q24.3.
Variant type: single nucleotide variant.
Coding change: c.1654T>C on transcript NM_024753.5 (MANE Select); coding-DNA position 1654, T replaced by C.
Protein change: p.Cys552Arg; replaces cysteine 552 with arginine.
Molecular consequence: missense variant.
Genome position (GRCh38, 1-based): chr2:165,919,296, A>G on the plus strand (T>C on the coding strand, the complement: TTC21B is on the minus strand). VCF-style: chr2-165919296-A-G. GRCh37 (hg19) VCF-style: chr2-166775806-A-G.
Other names: short protein forms C552R.
Identifiers: ClinVar variation 1983722 (VCV001983722.5), dbSNP rs2468184936, ClinGen allele CA349060737.

ClinVar aggregate classification (germline): Uncertain significance. Review status: criteria provided, multiple submitters, no conflicts (2 of 4 stars). 2 submissions from 2 submitters: Uncertain significance (2). Last evaluated 2025-06-12.

Conditions:
Inborn genetic diseases. Identifiers: MedGen C0950123, MeSH D030342.
Jeune thoracic dystrophy. Also called: Jeune syndrome; Infantile thoracic dystrophy; Thoracic pelvic phalangeal dystrophy; Jeune's syndrome; Chondroectodermal dysplasia-like syndrome; Short-rib thoracic dysplasia. Identifiers: Orphanet 474, MedGen C0265275, MONDO:0018770.
Nephronophthisis. Also called: Juvenile Nephronophthisis. Identifiers: Orphanet 655, MedGen C0687120, MONDO:0019005, HP:0000090.

Submissions (2):

Labcorp Genetics (formerly Invitae), Labcorp
Classification: Uncertain significance for Jeune thoracic dystrophy; Nephronophthisis. Last evaluated: 2025-06-12. Review status: criteria provided, single submitter. Criteria: Invitae Variant Classification Sherloc (09022015). Collection method: clinical testing. Allele origin: germline.
Comment: This sequence change replaces cysteine, which is neutral and slightly polar, with arginine, which is basic and polar, at codon 552 of the TTC21B protein (p.Cys552Arg). This variant is not present in population databases (gnomAD no frequency). This variant has not been reported in the literature in individuals affected with TTC21B-related conditions. ClinVar contains an entry for this variant (Variation ID: 1983722). Invitae Evidence Modeling of protein sequence and biophysical properties (such as structural, functional, and spatial information, amino acid conservation, physicochemical variation, residue mobility, and thermodynamic stability) has been performed for this missense variant. However, the output from this modeling did not meet the statistical confidence thresholds required to predict the impact of this variant on TTC21B protein function. In summary, the available evidence is currently insufficient to determine the role of this variant in disease. Therefore, it has been classified as a Variant of Uncertain Significance.

Ambry Genetics
Classification: Uncertain significance for Inborn genetic diseases. Last evaluated: 2022-03-16. Review status: criteria provided, single submitter. Criteria: Ambry Variant Classification Scheme 2023. Collection method: clinical testing. Allele origin: germline.